The following is an entry in ClinVar:

NM_000143.4(FH):c.379-10T>C

Gene: FH (fumarate hydratase; minus strand). Cytogenetic location: 1q43.
Variant type: single nucleotide variant.
Coding change: c.379-10T>C on transcript NM_000143.4 (MANE Select); 10 bases into the intron before coding-DNA position 379, T replaced by C.
Molecular consequence: intron variant.
Genome position (GRCh38, 1-based): chr1:241,512,153, A>G on the plus strand (T>C on the coding strand, the complement: FH is on the minus strand). VCF-style: chr1-241512153-A-G. GRCh37 (hg19) VCF-style: chr1-241675453-A-G.
Identifiers: ClinVar variation 3773123 (VCV003773123.1).

ClinVar aggregate classification (germline): Likely benign (1 of 4 stars; one submission).

Conditions:
Hereditary leiomyomatosis and renal cell cancer. Also called: MULTIPLE CUTANEOUS AND UTERINE LEIOMYOMATA 1, WITH OR WITHOUT RENAL CELL CARCINOMA; LEIOMYOMA, MULTIPLE CUTANEOUS; FH tumor predisposition syndrome; Reed syndrome; Multiple cutaneous and uterine leiomyomatosis; Cutaneous leiomyomata with uterine leiomyomata. Identifiers: Orphanet 523, MedGen C1708350, MONDO:0007888, OMIM 150800, HP:0007437. Disease mechanism: loss of function.

Submission:

Myriad Genetics, Inc.
Classification: Likely benign for Hereditary leiomyomatosis and renal cell cancer. Last evaluated: 2024-10-18. Review status: criteria provided, single submitter. Criteria: Myriad Autosomal Dominant, Autosomal Recessive and X-Linked Classification Criteria (2023). Collection method: clinical testing. Allele origin: unknown.
Comment: This variant is considered likely benign. This variant is intronic and is not expected to impact mRNA splicing.